The following is an entry in ClinVar:

ClinVar aggregate classification (germline): Uncertain significance (1 of 4 stars; one submission).

gnomAD v4.1: 1 of 1,614,122 alleles (0.000062%); no homozygotes.

Submission:

Labcorp Genetics (formerly Invitae), Labcorp
Classification: Uncertain significance. Last evaluated: 2022-06-04. Review status: criteria provided, single submitter. Criteria: Invitae Variant Classification Sherloc (09022015). Collection method: clinical testing. Allele origin: germline.
Comment: This sequence change replaces methionine, which is neutral and non-polar, with isoleucine, which is neutral and non-polar, at codon 94 of the CEP19 protein (p.Met94Ile). In summary, the available evidence is currently insufficient to determine the role of this variant in disease. Therefore, it has been classified as a Variant of Uncertain Significance. Algorithms developed to predict the effect of missense changes on protein structure and function (SIFT, PolyPhen-2, Align-GVGD) all suggest that this variant is likely to be tolerated. This variant has not been reported in the literature in individuals affected with CEP19-related conditions. This variant is not present in population databases (gnomAD no frequency).

NM_032898.5(CEP19):c.270G>A (p.Met90Ile)

Gene: CEP19 (centrosomal protein 19; minus strand). Cytogenetic location: 3q29.
Variant type: single nucleotide variant.
Coding change: c.270G>A on transcript NM_032898.5 (MANE Select); coding-DNA position 270, G replaced by A.
Protein change: p.Met90Ile; replaces methionine 90 with isoleucine.
Molecular consequence: missense variant.
Genome position (GRCh38, 1-based): chr3:196,707,773, C>T on the plus strand (G>A on the coding strand, the complement: CEP19 is on the minus strand). VCF-style: chr3-196707773-C-T. GRCh37 (hg19) VCF-style: chr3-196434644-C-T.
Other names: c.165G>A, p.Met55Ile (NM_001379468.1); c.270G>A, p.Met90Ile (NM_001379469.1, NM_001379470.1); short protein forms M90I, M55I.
Identifiers: ClinVar variation 1962777 (VCV001962777.5), dbSNP rs1438667850, ClinGen allele CA355634388.
Genomic context (GRCh38, chr3:196,707,773, plus strand): 5'-GTCATCTAGTTTGTTCAGGTCTTCCTCAGGATCAATGGTTGTTTCCCGTTGAATTTGTTC[C>T]ATTGTTTCTGCCAGACTCTGCCCCGACAAGTAACCTCGTAAAAAACTGAATAGCTTCTCT-3'
Protein context (NP_116287.3, residues 80-100): YLSGQSLAET[Met90Ile]EQIQRETTID